The following is an entry in ClinVar:

ClinVar aggregate classification (germline): Uncertain significance. Review status: criteria provided, multiple submitters, no conflicts (2 of 4 stars). 2 submissions from 2 submitters: Uncertain significance (2). Last evaluated 2024-08-01.

Conditions:
Inborn genetic diseases. Identifiers: MedGen C0950123, MeSH D030342.

Allele frequency attached by ClinVar (database versions not stated): gnomAD exomes 0.00001 and 0.00003; ExAC 0.00002; gnomAD 0.00005 and 0.00006; TOPMed 0.00008; 1000 Genomes Project 30x 0.00016; 1000 Genomes Project 0.00020.
gnomAD v4.1: 32 of 1,614,186 alleles (0.002%); highest among the groups gnomAD compares: Admixed American, 0.02%; no homozygotes.

Submissions (2):

Ambry Genetics
Classification: Uncertain significance for Inborn genetic diseases. Last evaluated: 2024-08-01. Review status: criteria provided, single submitter. Criteria: Ambry Variant Classification Scheme 2023. Collection method: clinical testing. Allele origin: germline.

Labcorp Genetics (formerly Invitae), Labcorp
Classification: Uncertain significance. Last evaluated: 2023-12-07. Review status: criteria provided, single submitter. Criteria: Invitae Variant Classification Sherloc (09022015). Collection method: clinical testing. Allele origin: germline.
Comment: This sequence change replaces histidine, which is basic and polar, with arginine, which is basic and polar, at codon 425 of the PDP1 protein (p.His425Arg). This variant is present in population databases (rs200222464, gnomAD 0.01%). This variant has not been reported in the literature in individuals affected with PDP1-related conditions. ClinVar contains an entry for this variant (Variation ID: 1044534). An algorithm developed to predict the effect of missense changes on protein structure and function (PolyPhen-2) suggests that this variant is likely to be disruptive. In summary, the available evidence is currently insufficient to determine the role of this variant in disease. Therefore, it has been classified as a Variant of Uncertain Significance.

NM_018444.4(PDP1):c.1274A>G (p.His425Arg)

Gene: PDP1 (pyruvate dehydrogenase phosphatase catalytic subunit 1; plus strand). Cytogenetic location: 8q22.1.
Variant type: single nucleotide variant.
Coding change: c.1274A>G on transcript NM_018444.4 (MANE Select); coding-DNA position 1274, A replaced by G.
Protein change: p.His425Arg; replaces histidine 425 with arginine.
Molecular consequence: missense variant.
Genome position (GRCh38, 1-based): chr8:93,923,333, A>G. VCF-style: chr8-93923333-A-G. GRCh37 (hg19) VCF-style: chr8-94935561-A-G.
Other names: c.1349A>G, p.His450Arg (NM_001161779.2, NM_001161780.2); c.1274A>G, p.His425Arg (NM_001161781.2); c.1274A>G (NM_018444.3); short protein forms H425R, H450R.
Identifiers: ClinVar variation 1044534 (VCV001044534.8), dbSNP rs200222464, ClinGen allele CA4808801.